The following is an entry in ClinVar:

ClinVar aggregate classification (germline): Uncertain significance (1 of 4 stars; one submission).

Conditions:
Tuberous sclerosis 1 (TSC1). Identifiers: Orphanet 805, MedGen C1854465, MONDO:0008612, OMIM 191100.

Submission:

Labcorp Genetics (formerly Invitae), Labcorp
Classification: Uncertain significance for Tuberous sclerosis 1. Last evaluated: 2023-06-14. Review status: criteria provided, single submitter. Criteria: Invitae Variant Classification Sherloc (09022015). Collection method: clinical testing. Allele origin: germline.
Comment: In summary, the available evidence is currently insufficient to determine the role of this variant in disease. Therefore, it has been classified as a Variant of Uncertain Significance. Advanced modeling of protein sequence and biophysical properties (such as structural, functional, and spatial information, amino acid conservation, physicochemical variation, residue mobility, and thermodynamic stability) performed at Invitae indicates that this missense variant is not expected to disrupt TSC1 protein function. This variant has not been reported in the literature in individuals affected with TSC1-related conditions. This variant is not present in population databases (gnomAD no frequency). This sequence change replaces cysteine, which is neutral and slightly polar, with arginine, which is basic and polar, at codon 995 of the TSC1 protein (p.Cys995Arg).

NM_000368.5(TSC1):c.2983T>C (p.Cys995Arg)

Gene: TSC1 (TSC complex subunit 1; minus strand). Cytogenetic location: 9q34.13.
Variant type: single nucleotide variant.
Coding change: c.2983T>C on transcript NM_000368.5 (MANE Select); coding-DNA position 2983, T replaced by C.
Protein change: p.Cys995Arg; replaces cysteine 995 with arginine.
Molecular consequence: missense variant. On other transcripts: non-coding transcript variant (5).
Genome position (GRCh38, 1-based): chr9:132,896,747, A>G on the plus strand (T>C on the coding strand, the complement: TSC1 is on the minus strand). VCF-style: chr9-132896747-A-G. GRCh37 (hg19) VCF-style: chr9-135772134-A-G.
Other names: c.2980T>C, p.Cys994Arg (NM_001162426.2, NM_001406597.1, NM_001406598.1 and 2 more transcripts); c.2830T>C, p.Cys944Arg (NM_001162427.2, NM_001406610.1); c.2620T>C, p.Cys874Arg (NM_001362177.2, NM_001406614.1, NM_001406615.1 and 4 more transcripts); c.2983T>C, p.Cys995Arg (NM_001406592.1, NM_001406593.1, NM_001406594.1 and 2 more transcripts); c.2968T>C, p.Cys990Arg (NM_001406601.1, NM_001406602.1); c.2965T>C, p.Cys989Arg (NM_001406603.1, NM_001406604.1); c.2941T>C, p.Cys981Arg (NM_001406605.1, NM_001406606.1, NM_001406607.1); c.2938T>C, p.Cys980Arg (NM_001406608.1, NM_001406609.1); and 8 more; short protein forms C859R, C860R, C944R, C874R, C929R, C943R, C677R, C980R.
Identifiers: ClinVar variation 2714010 (VCV002714010.3), dbSNP rs2538460762, ClinGen allele CA375368056.